The following is an entry in ClinVar:

NM_015338.6(ASXL1):c.618C>G (p.Ser206Arg)

Gene: ASXL1 (ASXL transcriptional regulator 1; plus strand). Cytogenetic location: 20q11.21.
Variant type: single nucleotide variant.
Coding change: c.618C>G on transcript NM_015338.6 (MANE Select); coding-DNA position 618, C replaced by G.
Protein change: p.Ser206Arg; replaces serine 206 with arginine.
Molecular consequence: missense variant. On other transcripts: intron variant (1).
Genome position (GRCh38, 1-based): chr20:32,429,953, C>G. VCF-style: chr20-32429953-C-G. GRCh37 (hg19) VCF-style: chr20-31017756-C-G.
Other names: c.535+522C>G (NM_001363734.1); short protein forms S206R.
Identifiers: ClinVar variation 4587325 (VCV004587325.1).
Genomic context (GRCh38, chr20:32,429,953, plus strand): 5'-GCCTTCAGGGTTCTCGGGCTGCCACGCCGATGGCGAGAGCGGCAGCCCGTCCAGCAGCAG[C>G]AGCGGCTCTCTGGCCCTGGGCAGCGCTGCTATTCGTGGCCAGGCCGAGGTCACCCAGGAC-3'
Protein context (NP_056153.2, residues 196-216): DGESGSPSSS[Ser206Arg]SGSLALGSAA

ClinVar aggregate classification (germline): Uncertain significance (1 of 4 stars; one submission).

Conditions:
Inborn genetic diseases. Identifiers: MedGen C0950123, MeSH D030342.

Submission:

Ambry Genetics
Classification: Uncertain significance for Inborn genetic diseases. Last evaluated: 2025-09-25. Review status: criteria provided, single submitter. Criteria: Ambry Variant Classification Scheme 2023. Collection method: clinical testing. Allele origin: germline.
Comment: The p.S206R variant (also known as c.618C>G), located in coding exon 8 of the ASXL1 gene, results from a C to G substitution at nucleotide position 618. The serine at codon 206 is replaced by arginine, an amino acid with dissimilar properties. This amino acid position is conserved. In addition, this alteration is predicted to be tolerated by in silico analysis. Based on the available evidence, the clinical significance of this variant remains unclear.